The following is an entry in ClinVar:

ClinVar aggregate classification (germline): Likely benign. Review status: criteria provided, multiple submitters, no conflicts (2 of 4 stars). 2 submissions from 2 submitters: Likely benign (2). Last evaluated 2025-07-24.

Conditions:
Pheochromocytoma/paraganglioma syndrome 3. Also called: SDHC-Related Hereditary Paraganglioma-Pheochromocytoma Syndrome (Paragangliomas 3); SDHC-Related Hereditary Paraganglioma-Pheochromocytoma Syndrome; Paragangliomas 3; GLOMUS TUMORS, FAMILIAL, 3. Identifiers: Orphanet 29072, MedGen C1854336, MONDO:0011544, OMIM 605373.
Gastrointestinal stromal tumor. Also called: Gastrointestinal stromal tumor, somatic; Gastrointestinal stroma tumor. Identifiers: Orphanet 44890, MedGen C0238198, MeSH D046152, MONDO:0011719, OMIM 606764, HP:0100723.

gnomAD v4.1: 3 of 1,609,504 alleles (0.00019%); highest among the groups gnomAD compares: African/African-American, 0.0028%; no homozygotes.

Submissions (2):

Labcorp Genetics (formerly Invitae), Labcorp
Classification: Likely benign for Pheochromocytoma/paraganglioma syndrome 3; Gastrointestinal stromal tumor. Last evaluated: 2025-07-24. Review status: criteria provided, single submitter. Criteria: Invitae Variant Classification Sherloc (09022015). Collection method: clinical testing. Allele origin: germline.

Myriad Genetics, Inc.
Classification: Likely benign for Pheochromocytoma/paraganglioma syndrome 3. Last evaluated: 2025-03-13. Review status: criteria provided, single submitter. Criteria: Myriad Autosomal Dominant, Autosomal Recessive and X-Linked Classification Criteria (2023). Collection method: clinical testing. Allele origin: unknown.
Comment: This variant is considered likely benign. This variant is intronic and is not expected to impact mRNA splicing.

NM_003001.5(SDHC):c.20+8C>A

Gene: SDHC (succinate dehydrogenase complex subunit C; plus strand). Cytogenetic location: 1q23.3.
Variant type: single nucleotide variant.
Coding change: c.20+8C>A on transcript NM_003001.5 (MANE Select); 8 bases into the intron after coding-DNA position 20, C replaced by A.
Molecular consequence: intron variant. On other transcripts: 5 prime UTR variant (1).
Genome position (GRCh38, 1-based): chr1:161,314,433, C>A. VCF-style: chr1-161314433-C-A. GRCh37 (hg19) VCF-style: chr1-161284223-C-A.
Other names: c.-533C>A (NM_001407119.1); c.-210+8C>A (NM_001407120.1); c.20+8C>A (NM_001407115.1, NM_001035511.3, NM_001035512.3 and 6 more transcripts).
Identifiers: ClinVar variation 799636 (VCV000799636.13), dbSNP rs773661299, ClinGen allele CA526856678.